The following is an entry in ClinVar:

ClinVar aggregate classification (germline): Uncertain significance (1 of 4 stars; one submission).

Submission:

Geisinger Autism and Developmental Medicine Institute, Geisinger Health System
Classification: Uncertain significance. Last evaluated: 2014-11-12. Review status: criteria provided, single submitter. Criteria: ACMG CNV Guidelines, 2011. Collection method: provider interpretation. Allele origin: unknown.

Single allele

Genes: SNTG2 (syntrophin gamma 2; plus strand), TPO (thyroid peroxidase; plus strand). Cytogenetic location: 2p25.3.
Variant type: Deletion.
Identifiers: ClinVar variation 560060 (VCV000560060.3).